The following is an entry in ClinVar:

NM_145046.5(CALR3):c.787G>C (p.Asp263His)

Gene: CALR3 (calreticulin 3; minus strand). Cytogenetic location: 19p13.11.
Variant type: single nucleotide variant.
Coding change: c.787G>C on transcript NM_145046.5 (MANE Select); coding-DNA position 787, G replaced by C.
Protein change: p.Asp263His; replaces aspartic acid 263 with histidine.
Molecular consequence: missense variant.
Genome position (GRCh38, 1-based): chr19:16,482,581, C>G on the plus strand (G>C on the coding strand, the complement: CALR3 is on the minus strand). VCF-style: chr19-16482581-C-G. GRCh37 (hg19) VCF-style: chr19-16593392-C-G.
Other names: c.787G>C (NM_145046.3); short protein forms D263H.
Identifiers: ClinVar variation 410618 (VCV000410618.11), dbSNP rs200056222, ClinGen allele CA9278271.

ClinVar aggregate classification (germline): Uncertain significance. Review status: criteria provided, multiple submitters, no conflicts (2 of 4 stars). 3 submissions from 3 submitters: Uncertain significance (3). Last evaluated 2025-09-30.

Conditions:
CALR3-related disorder. Also called: CALR3-related condition.
Hypertrophic cardiomyopathy 19. Also called: Familial hypertrophic cardiomyopathy 19. Identifiers: MedGen CN077603, MONDO:0013476.

Allele frequency attached by ClinVar (database versions not stated): ExAC 0.00001; gnomAD 0.00001 and 0.00002; gnomAD exomes 0.00001 and 0.00003; TOPMed 0.00002; ESP Exome Variant Server 0.00008; 1000 Genomes Project 30x 0.00016; 1000 Genomes Project 0.00020.
gnomAD v4.1: 39 of 1,614,154 alleles (0.0024%); highest among the groups gnomAD compares: Non-Finnish European, 0.0033%; no homozygotes.

Submissions (3):

Labcorp Genetics (formerly Invitae), Labcorp
Classification: Uncertain significance for Hypertrophic cardiomyopathy 19. Last evaluated: 2025-09-30. Review status: criteria provided, single submitter. Criteria: Invitae Variant Classification Sherloc (09022015). Collection method: clinical testing. Allele origin: germline.
Comment: This sequence change replaces aspartic acid, which is acidic and polar, with histidine, which is basic and polar, at codon 263 of the CALR3 protein (p.Asp263His). This variant is present in population databases (rs200056222, gnomAD 0.003%). This variant has not been reported in the literature in individuals affected with CALR3-related conditions. ClinVar contains an entry for this variant (Variation ID: 410618). An algorithm developed to predict the effect of missense changes on protein structure and function (PolyPhen-2) suggests that this variant is likely to be tolerated. In summary, the available evidence is currently insufficient to determine the role of this variant in disease. Therefore, it has been classified as a Variant of Uncertain Significance.

Ambry Genetics
Classification: Uncertain significance. Last evaluated: 2025-04-01. Review status: criteria provided, single submitter. Criteria: Ambry Variant Classification Scheme 2023. Collection method: clinical testing. Allele origin: germline.

PreventionGenetics, part of Exact Sciences
Classification: Uncertain significance for CALR3-related condition. Last evaluated: 2024-12-03. Review status: criteria provided, single submitter. Criteria: ACMG Guidelines, 2015. Collection method: clinical testing. Allele origin: germline.
Comment: The CALR3 c.787G>C variant is predicted to result in the amino acid substitution p.Asp263His. To our knowledge, this variant has not been reported in the literature. This variant is reported in 0.0039% of alleles in individuals of European (Non-Finnish) descent in gnomAD. At this time, the clinical significance of this variant is uncertain due to the absence of conclusive functional and genetic evidence.